The following is an entry in ClinVar:

NM_006885.4(ZFHX3):c.4801del (p.Cys1601fs)

Genes: ZFHX3 (zinc finger homeobox 3; minus strand), ZFHX3-AS1 (ZFHX3 antisense RNA 1; plus strand). Cytogenetic location: 16q22.2.
Variant type: Deletion.
Coding change: c.4801del on transcript NM_006885.4 (MANE Select); coding-DNA position 4801, one base deleted (T; older notation c.4801delT).
Protein change: p.Cys1601fs; shifts the reading frame from cysteine 1601.
Molecular consequence: frameshift variant.
Genome position (GRCh38, 1-based): chr16:72,797,881, A deleted on the plus strand (T on the coding strand, the reverse complement: ZFHX3 is on the minus strand); the first of 2 consecutive A bases (chr16:72,797,881-72,797,882); deleting either gives the same sequence. VCF-style (leftmost placement, unchanged base first): chr16-72797880-CA-C. GRCh37 (hg19) VCF-style: chr16-72831779-CA-C.
Other names: c.2059del, p.Cys687fs (NM_001164766.2); c.4801del, p.Cys1601fs (NM_001386735.1); short protein forms C1601fs, C687fs.
Identifiers: ClinVar variation 3342395 (VCV003342395.1).

ClinVar aggregate classification (germline): Uncertain significance (1 of 4 stars; one submission).

Submission:

GeneDx
Classification: Uncertain significance. Last evaluated: 2022-02-10. Review status: criteria provided, single submitter. Criteria: GeneDx Variant Classification Process June 2021. Collection method: clinical testing. Allele origin: germline. Affected: yes.
Comment: Not observed at significant frequency in large population cohorts (gnomAD); Frameshift variant predicted to result in protein truncation or nonsense mediated decay in a gene for which loss-of-function is not a known mechanism of disease; Has not been previously published as pathogenic or benign to our knowledge; Variants in candidate genes are classified as variants of uncertain significance in accordance with ACMG guidelines (Richards et al., 2015)